The following is an entry in ClinVar:

ClinVar aggregate classification (germline): Uncertain significance (1 of 4 stars; one submission).

Conditions:
Inborn genetic diseases. Identifiers: MedGen C0950123, MeSH D030342.

Submission:

Ambry Genetics
Classification: Uncertain significance for Inborn genetic diseases. Last evaluated: 2023-01-26. Review status: criteria provided, single submitter. Criteria: Ambry Variant Classification Scheme 2023. Collection method: clinical testing. Allele origin: germline.
Comment: The p.M822I variant (also known as c.2466G>T), located in coding exon 16 of the EPAS1 gene, results from a G to T substitution at nucleotide position 2466. The methionine at codon 822 is replaced by isoleucine, an amino acid with highly similar properties. This amino acid position is conserved. In addition, this alteration is predicted to be tolerated by in silico analysis. Since supporting evidence is limited at this time, the clinical significance of this alteration remains unclear.

NM_001430.5(EPAS1):c.2466G>T (p.Met822Ile)

Gene: EPAS1 (endothelial PAS domain protein 1; plus strand). Cytogenetic location: 2p21.
Variant type: single nucleotide variant.
Coding change: c.2466G>T on transcript NM_001430.5 (MANE Select); coding-DNA position 2466, G replaced by T.
Protein change: p.Met822Ile; replaces methionine 822 with isoleucine.
Molecular consequence: missense variant.
Genome position (GRCh38, 1-based): chr2:46,384,513, G>T. VCF-style: chr2-46384513-G-T. GRCh37 (hg19) VCF-style: chr2-46611652-G-T.
Other names: short protein forms M822I.
Identifiers: ClinVar variation 2450316 (VCV002450316.2), dbSNP rs2546483541, ClinGen allele CA346706630.